The following is an entry in ClinVar:

ClinVar aggregate classification (germline): Uncertain significance (1 of 4 stars; one submission).

Submission:

Labcorp Genetics (formerly Invitae), Labcorp
Classification: Uncertain significance. Last evaluated: 2022-04-03. Review status: criteria provided, single submitter. Criteria: Invitae Variant Classification Sherloc (09022015). Collection method: clinical testing. Allele origin: germline.
Comment: This variant is not present in population databases (gnomAD no frequency). This variant has not been reported in the literature in individuals affected with HSD3B2-related conditions. Algorithms developed to predict the effect of missense changes on protein structure and function are either unavailable or do not agree on the potential impact of this missense change (SIFT: "Deleterious"; PolyPhen-2: "Probably Damaging"; Align-GVGD: "Class C15"). In summary, the available evidence is currently insufficient to determine the role of this variant in disease. Therefore, it has been classified as a Variant of Uncertain Significance. This sequence change replaces glycine, which is neutral and non-polar, with valine, which is neutral and non-polar, at codon 103 of the HSD3B2 protein (p.Gly103Val).

NM_000198.4(HSD3B2):c.308G>T (p.Gly103Val)

Gene: HSD3B2 (hydroxy-delta-5-steroid dehydrogenase, 3 beta- and steroid delta-isomerase 2; plus strand). Cytogenetic location: 1p12.
Variant type: single nucleotide variant.
Coding change: c.308G>T on transcript NM_000198.4 (MANE Select); coding-DNA position 308, G replaced by T.
Protein change: p.Gly103Val; replaces glycine 103 with valine.
Molecular consequence: missense variant.
Genome position (GRCh38, 1-based): chr1:119,421,809, G>T. VCF-style: chr1-119421809-G-T. GRCh37 (hg19) VCF-style: chr1-119964432-G-T.
Other names: c.308G>T, p.Gly103Val (NM_001166120.2); short protein forms G103V.
Identifiers: ClinVar variation 2121074 (VCV002121074.4), dbSNP rs2526391151, ClinGen allele CA341395880.
Genomic context (GRCh38, chr1:119,421,809, plus strand): 5'-ATGTGGTTGCAGCTCCTTTGGGATATTTCCTGACACTGTCATCATGCTCTTCGTGGGCAG[G>T]TACCCAGCTACTGTTGGAGGCCTGTGTCCAAGCCAGTGTGCCAGTCTTCATCTACACCAG-3'
Protein context (NP_000189.1, residues 93-113): RESIMNVNVK[Gly103Val]TQLLLEACVQ